The following is an entry in ClinVar:

NM_005228.5(EGFR):c.1133+3G>A

Genes: EGFR (epidermal growth factor receptor; plus strand), LOC126860048 (P300/CBP strongly-dependent group 1 enhancer GRCh37_chr7:55223847-55225046; plus strand). Cytogenetic location: 7p11.2.
Variant type: single nucleotide variant.
Coding change: c.1133+3G>A on transcript NM_005228.5 (MANE Select); 3 bases into the intron after coding-DNA position 1133, G replaced by A.
Molecular consequence: intron variant.
Genome position (GRCh38, 1-based): chr7:55,156,662, G>A. VCF-style: chr7-55156662-G-A. GRCh37 (hg19) VCF-style: chr7-55224355-G-A.
Other names: c.998+3G>A (NM_001346899.2, NM_001346897.2); c.332+3G>A (NM_001346941.2); c.1133+3G>A (NM_001346898.2, NM_201284.2, NM_201282.2 and 1 more transcripts); c.974+3G>A (NM_001346900.2).
Identifiers: ClinVar variation 1393720 (VCV001393720.7), dbSNP rs2128938468, ClinGen allele CA2573142240.
Genomic context (GRCh38, chr7:55,156,662, plus strand): 5'-TCAAAAACTGCACCTCCATCAGTGGCGATCTCCACATCCTGCCGGTGGCATTTAGGGGGT[G>A]AGTCACAGGTTCAGTTGCTTGTATAAAGAAAAACAAAATCTGCCTTTTTAACTGGTAGAG-3'

ClinVar aggregate classification (germline): Uncertain significance (1 of 4 stars; one submission).

Conditions:
EGFR-related lung cancer (EGFR). Identifiers: MedGen CN130014.

Allele frequency attached by ClinVar (database versions not stated): gnomAD exomes below 0.00001.
gnomAD v4.1: 4 of 1,614,216 alleles (0.00025%); highest among the groups gnomAD compares: East Asian, 0.0022%; no homozygotes.

Submission:

Labcorp Genetics (formerly Invitae), Labcorp
Classification: Uncertain significance for EGFR-related lung cancer. Last evaluated: 2025-06-10. Review status: criteria provided, single submitter. Criteria: Invitae Variant Classification Sherloc (09022015). Collection method: clinical testing. Allele origin: germline.
Comment: This sequence change falls in intron 9 of the EGFR gene. It does not directly change the encoded amino acid sequence of the EGFR protein. It affects a nucleotide within the consensus splice site. This variant is not present in population databases (gnomAD no frequency). This variant has not been reported in the literature in individuals affected with EGFR-related conditions. ClinVar contains an entry for this variant (Variation ID: 1393720). Variants that disrupt the consensus splice site are a relatively common cause of aberrant splicing (PMID: 17576681, 9536098). Algorithms developed to predict the effect of sequence changes on RNA splicing suggest that this variant is not likely to affect RNA splicing. In summary, the available evidence is currently insufficient to determine the role of this variant in disease. Therefore, it has been classified as a Variant of Uncertain Significance.

Literature cited by the submitters: PubMed 17576681; PubMed 9536098.